The following is an entry in ClinVar:

ClinVar aggregate classification (germline): Uncertain significance. Review status: criteria provided, multiple submitters, no conflicts (2 of 4 stars). 2 submissions from 2 submitters: Uncertain significance (2). Last evaluated 2024-04-29.

Conditions:
Schuurs-Hoeijmakers syndrome. Also called: PACS1-Related Neurodevelopmental Disorder. Identifiers: Orphanet 329224, MedGen C3554343, MONDO:0014006, OMIM 615009.

Allele frequency attached by ClinVar (database versions not stated): ExAC 0.00002; gnomAD exomes 0.00001; TOPMed 0.00001; gnomAD 0.00001.
gnomAD v4.1: 15 of 1,613,810 alleles (0.00093%); highest among the groups gnomAD compares: Admixed American, 0.0033%; no homozygotes.

Submissions (2):

Labcorp Genetics (formerly Invitae), Labcorp
Classification: Uncertain significance for Schuurs-Hoeijmakers syndrome. Last evaluated: 2024-04-29. Review status: criteria provided, single submitter. Criteria: Invitae Variant Classification Sherloc (09022015). Collection method: clinical testing. Allele origin: germline.
Comment: This sequence change replaces arginine, which is basic and polar, with glutamine, which is neutral and polar, at codon 315 of the PACS1 protein (p.Arg315Gln). This variant is present in population databases (rs751067567, gnomAD 0.006%). This variant has not been reported in the literature in individuals affected with PACS1-related conditions. ClinVar contains an entry for this variant (Variation ID: 1706830). Advanced modeling of protein sequence and biophysical properties (such as structural, functional, and spatial information, amino acid conservation, physicochemical variation, residue mobility, and thermodynamic stability) performed at Invitae indicates that this missense variant is not expected to disrupt PACS1 protein function with a negative predictive value of 80%. In summary, the available evidence is currently insufficient to determine the role of this variant in disease. Therefore, it has been classified as a Variant of Uncertain Significance.

GeneDx
Classification: Uncertain significance. Last evaluated: 2022-03-21. Review status: criteria provided, single submitter. Criteria: GeneDx Variant Classification Process June 2021. Collection method: clinical testing. Allele origin: germline. Affected: yes.
Comment: In silico analysis supports that this missense variant has a deleterious effect on protein structure/function; Has not been previously published as pathogenic or benign to our knowledge

NM_018026.4(PACS1):c.944G>A (p.Arg315Gln)

Gene: PACS1 (phosphofurin acidic cluster sorting protein 1; plus strand). Cytogenetic location: 11q13.2.
Variant type: single nucleotide variant.
Coding change: c.944G>A on transcript NM_018026.4 (MANE Select); coding-DNA position 944, G replaced by A.
Protein change: p.Arg315Gln; replaces arginine 315 with glutamine.
Molecular consequence: missense variant.
Genome position (GRCh38, 1-based): chr11:66,216,741, G>A. VCF-style: chr11-66216741-G-A. GRCh37 (hg19) VCF-style: chr11-65984212-G-A.
Other names: short protein forms R315Q.
Identifiers: ClinVar variation 1706830 (VCV001706830.5), dbSNP rs751067567, ClinGen allele CA6116388.